The following is an entry in ClinVar:

NM_000535.7(PMS2):c.50C>A (p.Pro17His)

Gene: PMS2 (PMS1 homolog 2, mismatch repair system component; minus strand). Cytogenetic location: 7p22.1.
Variant type: single nucleotide variant.
Coding change: c.50C>A on transcript NM_000535.7 (MANE Select); coding-DNA position 50, C replaced by A.
Protein change: p.Pro17His; replaces proline 17 with histidine.
Molecular consequence: missense variant. On other transcripts: 5 prime UTR variant (8), non-coding transcript variant (1), intron variant (3).
Genome position (GRCh38, 1-based): chr7:6,006,005, G>T on the plus strand (C>A on the coding strand, the complement: PMS2 is on the minus strand). VCF-style: chr7-6006005-G-T. GRCh37 (hg19) VCF-style: chr7-6045636-G-T.
Other names: c.-356C>A (NM_001322003.2, NM_001322005.2, NM_001322009.2 and 1 more transcripts); c.50C>A, p.Pro17His (NM_001322006.2, NM_001322014.2); c.-166C>A (NM_001322007.2); c.-835C>A (NM_001322011.2, NM_001322012.2); c.-435C>A (NM_001322015.2); c.-52-1947C>A (NM_001322008.2); c.-242-1947C>A (NM_001322010.2, NM_001322004.2); short protein forms P17H.
Identifiers: ClinVar variation 486052 (VCV000486052.5), dbSNP rs1554306578, ClinGen allele CA366745154.

ClinVar aggregate classification (germline): Uncertain significance (1 of 4 stars; one submission).

Conditions:
Hereditary cancer-predisposing syndrome. Also called: Tumor predisposition; Hereditary Cancer Syndrome; Hereditary neoplastic syndrome; Neoplastic Syndromes, Hereditary. Identifiers: Orphanet 140162, MedGen C0027672, MeSH D009386, MONDO:0015356.

Submission:

Ambry Genetics
Classification: Uncertain significance for Hereditary cancer-predisposing syndrome. Last evaluated: 2017-02-20. Review status: criteria provided, single submitter. Criteria: Ambry Variant Classification Scheme 2023. Collection method: clinical testing. Allele origin: germline.
Comment: The p.P17H variant (also known as c.50C>A), located in coding exon 2 of the PMS2 gene, results from a C to A substitution at nucleotide position 50. The proline at codon 17 is replaced by histidine, an amino acid with similar properties. This amino acid position is well conserved in available vertebrate species. In addition, the in silico prediction for this alteration is inconclusive. Since supporting evidence is limited at this time, the clinical significance of this alteration remains unclear.